The following is an entry in ClinVar:

ClinVar aggregate classification (germline): Likely benign (1 of 4 stars; one submission).

Conditions:
Hereditary angioedema type 1 (HAE1). Identifiers: Orphanet 100050, Orphanet 100051, Orphanet 91378, MedGen C2717906, MONDO:0015053, OMIM 106100.

Submission:

CeMIA
Classification: Likely benign for Hereditary angioedema type 1. Review status: criteria provided, single submitter. Criteria: ACMG Guidelines, 2015. Collection method: clinical testing. Allele origin: germline. Affected: yes.
Comment: This variant is considered likely benign or benign based on one or more of the following criteria: allele frequency is >5% in Exome Sequencing Project, 1000 Genomes Project, or Exome Aggregation Consortium (BA1), allele frequency is greater than expected for disorder (BS1), it is observed in a healthy adult individual (BS2), it is predicted to be benign by multiple in silico algorithms (BP4), it is found in a case with an alternate molecular basis for the disease (BP5) and/or reputable source recently reports variant as benign (BP6).

Literature cited by the submitters: PubMed 31959500.

NM_000062.3(SERPING1):c.686-1488_686-1487insT

Gene: SERPING1 (serpin family G member 1; plus strand). Cytogenetic location: 11q12.1.
Variant type: Insertion.
Coding change: c.686-1488_686-1487insT on transcript NM_000062.3 (MANE Select); 1488 bases into the intron before coding-DNA position 686 through 1487 bases into the intron before coding-DNA position 686, T inserted.
Molecular consequence: intron variant.
Genome position: GRCh38 VCF-style: chr11-57604522-A-AT. GRCh37 (hg19) VCF-style: chr11-57371995-A-AT.
Other names: c.686-1488_686-1487insT (NM_001032295.2).
Identifiers: ClinVar variation 983248 (VCV000983248.2), dbSNP rs1945386835, ClinGen allele CA1139661963.